The following is an entry in ClinVar:

ClinVar aggregate classification (germline): Uncertain significance (1 of 4 stars; one submission).

Conditions:
RAF1-related disorder. Also called: RAF1-related disorders; RAF1-related condition.

gnomAD v4.1: 2 of 1,614,172 alleles (0.00012%); highest among the groups gnomAD compares: Non-Finnish European, 0.00017%; no homozygotes.

Submission:

3billion
Classification: Uncertain significance for RAF1-related disorder. Last evaluated: 2025-08-21. Review status: criteria provided, single submitter. Criteria: ACMG Guidelines, 2015. Collection method: clinical testing. Allele origin: germline. Affected: yes.
Comment: The variant is observed at an extremely low frequency in the gnomAD v4.1.0 dataset (total allele frequency: <0.001%). Predicted Consequence/Location: The variant is located in a mutational hot spot and/or well-established functional domain in which established pathogenic variants have been reported (PMID: 29493581). Missense changes are a common disease-causing mechanism. In silico tool predictions suggest damaging effect of the variant on gene or gene product [3Cnet: 0.99 (> 0.75, sensitivity 0.96 and precision 0.92)]. Different missense changes at the same codon have been reported as of uncertain significance (ClinVar ID: VCV001782523, VCV000181515). Therefore, this variant is classified as VUS according to the recommendation of ACMG/AMP guideline.

NM_002880.4(RAF1):c.1913C>A (p.Thr638Lys)

Gene: RAF1 (Raf-1 proto-oncogene, serine/threonine kinase; minus strand). Cytogenetic location: 3p25.2.
Variant type: single nucleotide variant.
Coding change: c.1913C>A on transcript NM_002880.4 (MANE Select); coding-DNA position 1913, C replaced by A.
Protein change: p.Thr638Lys; replaces threonine 638 with lysine.
Molecular consequence: missense variant. On other transcripts: non-coding transcript variant (3).
Genome position (GRCh38, 1-based): chr3:12,584,548, G>T on the plus strand (C>A on the coding strand, the complement: RAF1 is on the minus strand). VCF-style: chr3-12584548-G-T. GRCh37 (hg19) VCF-style: chr3-12626047-G-T.
Other names: c.1973C>A, p.Thr658Lys (NM_001354689.3); c.1913C>A, p.Thr638Lys (NM_001354690.3); c.1670C>A, p.Thr557Lys (NM_001354691.3, NM_001354692.3); c.1814C>A, p.Thr605Lys (NM_001354693.3); c.1730C>A, p.Thr577Lys (NM_001354694.3); c.1571C>A, p.Thr524Lys (NM_001354695.3); short protein forms T524K, T557K, T577K, T605K, T638K, T658K.
Identifiers: ClinVar variation 4856109 (VCV004856109.1).